The following is an entry in ClinVar:

ClinVar aggregate classification (germline): Conflicting classifications of pathogenicity. Review status: criteria provided, conflicting classifications (1 of 4 stars). 4 submissions from 4 submitters: Uncertain significance (3); Likely benign (1). Last evaluated 2024-10-16.

Conditions:
Inborn genetic diseases. Identifiers: MedGen C0950123, MeSH D030342.
Desbuquois dysplasia 1 (DBQD1). Also called: MICROMELIC DWARFISM WITH VERTEBRAL AND METAPHYSEAL ABNORMALITIES AND ADVANCED CARPOTARSAL OSSIFICATION; DESBUQUOIS DYSPLASIA 1, KIM VARIANT. Identifiers: Orphanet 1425, MedGen C4012146, MONDO:0009629, OMIM 251450.

Allele frequency attached by ClinVar (database versions not stated): TOPMed below 0.00001; ExAC 0.00001; gnomAD 0.00001 and 0.00005; gnomAD exomes 0.00003.
gnomAD v4.1: 68 of 1,614,180 alleles (0.0042%); highest among the groups gnomAD compares: Middle Eastern, 0.83%; 3 homozygotes.

Submissions (4):

Blueprint Genetics
Classification: Likely benign. Last evaluated: 2024-10-16. Review status: criteria provided, single submitter. Criteria: ACMG Guidelines, 2015. Collection method: clinical testing. Allele origin: germline.

Ambry Genetics
Classification: Uncertain significance for Inborn genetic diseases. Last evaluated: 2024-07-25. Review status: criteria provided, single submitter. Criteria: Ambry Variant Classification Scheme 2023. Collection method: clinical testing. Allele origin: germline.

Labcorp Genetics (formerly Invitae), Labcorp
Classification: Uncertain significance for Desbuquois dysplasia 1. Last evaluated: 2022-10-13. Review status: criteria provided, single submitter. Criteria: Invitae Variant Classification Sherloc (09022015). Collection method: clinical testing. Allele origin: germline.
Comment: In summary, the available evidence is currently insufficient to determine the role of this variant in disease. Therefore, it has been classified as a Variant of Uncertain Significance. Advanced modeling of protein sequence and biophysical properties (such as structural, functional, and spatial information, amino acid conservation, physicochemical variation, residue mobility, and thermodynamic stability) performed at Invitae indicates that this missense variant is not expected to disrupt XYLT1 protein function. ClinVar contains an entry for this variant (Variation ID: 1423532). This variant has not been reported in the literature in individuals affected with XYLT1-related conditions. This variant is present in population databases (rs530487081, gnomAD 0.01%), including at least one homozygous and/or hemizygous individual. This sequence change replaces glutamine, which is neutral and polar, with glutamic acid, which is acidic and polar, at codon 377 of the XYLT1 protein (p.Gln377Glu).

Breakthrough Genomics
Classification: Uncertain significance. Review status: criteria provided, single submitter. Criteria: ACMG Guidelines, 2015. Collection method: not provided. Allele origin: germline. Inheritance: Autosomal recessive inheritance. Affected: yes.

NM_022166.4(XYLT1):c.1129C>G (p.Gln377Glu)

Gene: XYLT1 (xylosyltransferase 1; minus strand). Cytogenetic location: 16p12.3.
Variant type: single nucleotide variant.
Coding change: c.1129C>G on transcript NM_022166.4 (MANE Select); coding-DNA position 1129, C replaced by G.
Protein change: p.Gln377Glu; replaces glutamine 377 with glutamic acid.
Molecular consequence: missense variant.
Genome position (GRCh38, 1-based): chr16:17,198,372, G>C on the plus strand (C>G on the coding strand, the complement: XYLT1 is on the minus strand). VCF-style: chr16-17198372-G-C. GRCh37 (hg19) VCF-style: chr16-17292229-G-C.
Other names: c.1129C>G (NM_022166.3); short protein forms Q377E.
Identifiers: ClinVar variation 1423532 (VCV001423532.10), dbSNP rs530487081, ClinGen allele CA7928003.